The following is an entry in ClinVar:

ClinVar aggregate classification (germline): Pathogenic (1 of 4 stars; one submission).

Conditions:
Primary ciliary dyskinesia. Also called: Ciliary dyskinesia. Identifiers: Orphanet 244, MedGen C0008780, MONDO:0016575, HP:0012265.

Submission:

Labcorp Genetics (formerly Invitae), Labcorp
Classification: Pathogenic for Primary ciliary dyskinesia. Last evaluated: 2017-10-23. Review status: criteria provided, single submitter. Criteria: Invitae Variant Classification Sherloc (09022015). Collection method: clinical testing. Allele origin: germline.
Comment: This sequence change creates a premature translational stop signal (p.Glu198Glnfs*4) in the CCDC39 gene. It is expected to result in an absent or disrupted protein product. This variant is not present in population databases (ExAC no frequency). This variant has not been reported in the literature in individuals with CCDC39-related disease. Loss-of-function variants in CCDC39 are known to be pathogenic (PMID: 21131972, 23255504). For these reasons, this variant has been classified as Pathogenic.

NM_181426.2(CCDC39):c.590_591dup (p.Glu198fs)

Gene: CCDC39 (coiled-coil domain 39 molecular ruler complex subunit; minus strand). Cytogenetic location: 3q26.33.
Variant type: Duplication.
Coding change: c.590_591dup on transcript NM_181426.2 (MANE Select); coding-DNA positions 590 to 591, 2 bases duplicated (CA; older notation c.590_591dupCA).
Protein change: p.Glu198fs; shifts the reading frame from glutamic acid 198.
Molecular consequence: frameshift variant.
Genome position (GRCh38, 1-based): chr3:180,659,695-180,659,696, TG duplicated on the plus strand (CA on the coding strand, the reverse complement: CCDC39 is on the minus strand); duplicating any 2 consecutive bases within chr3:180,659,695-180,659,697 gives the same sequence; the c. name uses the placement nearest the transcript's 3' end. VCF-style (leftmost placement, unchanged base first): chr3-180659694-C-CTG. GRCh37 (hg19) VCF-style: chr3-180377482-C-CTG.
Other names: c.590_591dupCA (NM_181426.1); short protein forms E198fs.
Identifiers: ClinVar variation 525309 (VCV000525309.1), dbSNP rs1553805740, ClinGen allele CA658796397.
Genomic context (GRCh38, chr3:180,659,694, plus strand): 5'-ATCACCTTGAAAATTAAGAAATAAAAATCTTCCTTAAACTAACCTGTGCGCTTATAGTCT[C>CTG]TGTAAGTTCGTTGTCAAGTATCTTTCTTTTCTGATTACATTCCAAAGTTAGTCTTTCTAA-3'